The following is an entry in ClinVar:

ClinVar aggregate classification (germline): Likely pathogenic (0 of 4 stars; one submission).

Conditions:
EP300-related disorder. Also called: EP300-related condition; EP300-related disorders.

Submission:

PreventionGenetics, part of Exact Sciences
Classification: Likely pathogenic for EP300-related condition. Last evaluated: 2023-10-25. Review status: no assertion criteria provided. Collection method: clinical testing. Allele origin: germline.
Comment: The EP300 c.5255A>G variant is predicted to result in the amino acid substitution p.Asn1752Ser. To our knowledge, this variant has not been reported in the literature or in a large population database, indicating this variant is rare. This variant is interpreted as likely pathogenic.

NM_001429.4(EP300):c.5255A>G (p.Asn1752Ser)

Gene: EP300 (E1A binding protein p300; plus strand). Cytogenetic location: 22q13.2.
Variant type: single nucleotide variant.
Coding change: c.5255A>G on transcript NM_001429.4 (MANE Select); coding-DNA position 5255, A replaced by G.
Protein change: p.Asn1752Ser; replaces asparagine 1752 with serine.
Molecular consequence: missense variant.
Genome position (GRCh38, 1-based): chr22:41,176,966, A>G. VCF-style: chr22-41176966-A-G. GRCh37 (hg19) VCF-style: chr22-41572970-A-G.
Other names: c.5177A>G, p.Asn1726Ser (NM_001362843.2); short protein forms N1726S, N1752S.
Identifiers: ClinVar variation 3054747 (VCV003054747.2), dbSNP rs2517832142, ClinGen allele CA411708547.